The following is an entry in ClinVar:

ClinVar aggregate classification (germline): Uncertain significance (1 of 4 stars; one submission).

Submission:

GeneDx
Classification: Uncertain significance. Last evaluated: 2025-01-22. Review status: criteria provided, single submitter. Criteria: GeneDx Variant Classification Process June 2021. Collection method: clinical testing. Allele origin: germline. Affected: yes.
Comment: Not observed at significant frequency in large population cohorts (gnomAD); In silico analysis supports that this missense variant has a deleterious effect on protein structure/function; Has not been previously published as pathogenic or benign to our knowledge

NM_001161352.2(KCNMA1):c.2020T>C (p.Phe674Leu)

Gene: KCNMA1 (potassium calcium-activated channel subfamily M alpha 1; minus strand). Cytogenetic location: 10q22.3.
Variant type: single nucleotide variant.
Coding change: c.2020T>C on transcript NM_001161352.2 (MANE Select); coding-DNA position 2020, T replaced by C.
Protein change: p.Phe674Leu; replaces phenylalanine 674 with leucine.
Molecular consequence: missense variant.
Genome position (GRCh38, 1-based): chr10:77,012,039, A>G on the plus strand (T>C on the coding strand, the complement: KCNMA1 is on the minus strand). VCF-style: chr10-77012039-A-G. GRCh37 (hg19) VCF-style: chr10-78771797-A-G.
Other names: c.2032T>C, p.Phe678Leu (NM_001014797.3, NM_001322830.2, NM_001322835.2 and 1 more transcripts); c.2020T>C, p.Phe674Leu (NM_001161353.2, NM_001271519.2, NM_001322829.2 and 4 more transcripts); c.1870T>C, p.Phe624Leu (NM_001271518.2); c.1480T>C, p.Phe494Leu (NM_001322838.2); short protein forms F494L, F624L, F674L, F678L.
Identifiers: ClinVar variation 4071706 (VCV004071706.1).